The following is an entry in ClinVar:

NM_002181.4(IHH):c.280G>A (p.Glu94Lys)

Gene: IHH (Indian hedgehog signaling molecule; minus strand). Cytogenetic location: 2q35.
Variant type: single nucleotide variant.
Coding change: c.280G>A on transcript NM_002181.4 (MANE Select); coding-DNA position 280, G replaced by A.
Protein change: p.Glu94Lys; replaces glutamic acid 94 with lysine.
Molecular consequence: missense variant.
Genome position (GRCh38, 1-based): chr2:219,060,188, C>T on the plus strand (G>A on the coding strand, the complement: IHH is on the minus strand). VCF-style: chr2-219060188-C-T. GRCh37 (hg19) VCF-style: chr2-219924910-C-T.
Other names: short protein forms E94K.
Identifiers: ClinVar variation 3646764 (VCV003646764.2).

ClinVar aggregate classification (germline): Uncertain significance (1 of 4 stars; one submission).

gnomAD v4.1: 1 of 1,612,364 alleles (0.000062%); highest among the groups gnomAD compares: Non-Finnish European, 0.000085%; no homozygotes.

Submission:

Labcorp Genetics (formerly Invitae), Labcorp
Classification: Uncertain significance. Last evaluated: 2024-03-27. Review status: criteria provided, single submitter. Criteria: Invitae Variant Classification Sherloc (09022015). Collection method: clinical testing. Allele origin: germline.
Comment: This sequence change replaces glutamic acid, which is acidic and polar, with lysine, which is basic and polar, at codon 94 of the IHH protein (p.Glu94Lys). This variant is not present in population databases (gnomAD no frequency). This variant has not been reported in the literature in individuals affected with IHH-related conditions. Advanced modeling of protein sequence and biophysical properties (such as structural, functional, and spatial information, amino acid conservation, physicochemical variation, residue mobility, and thermodynamic stability) performed at Invitae indicates that this missense variant is expected to disrupt IHH protein function with a positive predictive value of 80%. In summary, the available evidence is currently insufficient to determine the role of this variant in disease. Therefore, it has been classified as a Variant of Uncertain Significance.